The following is an entry in ClinVar:

ClinVar aggregate classification (germline): Uncertain significance (1 of 4 stars; one submission).

Conditions:
Hypertrophic cardiomyopathy. Also called: HYPERTROPHIC MYOCARDIOPATHY. Identifiers: Orphanet 217569, MedGen C0007194, MeSH D002312, MONDO:0005045, HP:0001639.

Allele frequency attached by ClinVar (database versions not stated): gnomAD exomes below 0.00001 and 0.00001; TOPMed 0.00001; ExAC 0.00002.
gnomAD v4.1: 6 of 1,613,782 alleles (0.00037%); highest among the groups gnomAD compares: Non-Finnish European, 0.00051%; no homozygotes.

Submission:

Labcorp Genetics (formerly Invitae), Labcorp
Classification: Uncertain significance for Hypertrophic cardiomyopathy. Last evaluated: 2024-10-02. Review status: criteria provided, single submitter. Criteria: Invitae Variant Classification Sherloc (09022015). Collection method: clinical testing. Allele origin: germline.
Comment: This sequence change replaces phenylalanine, which is neutral and non-polar, with leucine, which is neutral and non-polar, at codon 566 of the MYOM1 protein (p.Phe566Leu). This variant is present in population databases (rs779144286, gnomAD 0.003%). This variant has not been reported in the literature in individuals affected with MYOM1-related conditions. ClinVar contains an entry for this variant (Variation ID: 647332). Invitae Evidence Modeling of protein sequence and biophysical properties (such as structural, functional, and spatial information, amino acid conservation, physicochemical variation, residue mobility, and thermodynamic stability) has been performed for this missense variant. However, the output from this modeling did not meet the statistical confidence thresholds required to predict the impact of this variant on MYOM1 protein function. In summary, the available evidence is currently insufficient to determine the role of this variant in disease. Therefore, it has been classified as a Variant of Uncertain Significance.

NM_003803.4(MYOM1):c.1698T>G (p.Phe566Leu)

Gene: MYOM1 (myomesin 1; minus strand). Cytogenetic location: 18p11.31.
Variant type: single nucleotide variant.
Coding change: c.1698T>G on transcript NM_003803.4 (MANE Select); coding-DNA position 1698, T replaced by G.
Protein change: p.Phe566Leu; replaces phenylalanine 566 with leucine.
Molecular consequence: missense variant.
Genome position (GRCh38, 1-based): chr18:3,151,839, A>C on the plus strand (T>G on the coding strand, the complement: MYOM1 is on the minus strand). VCF-style: chr18-3151839-A-C. GRCh37 (hg19) VCF-style: chr18-3151837-A-C.
Other names: c.1698T>G, p.Phe566Leu (NM_019856.2); short protein forms F566L.
Identifiers: ClinVar variation 647332 (VCV000647332.10), dbSNP rs779144286, ClinGen allele CA8874878.